The following is an entry in ClinVar:

ClinVar aggregate classification (germline): Uncertain significance (1 of 4 stars; one submission).

Submission:

Labcorp Genetics (formerly Invitae), Labcorp
Classification: Uncertain significance. Last evaluated: 2021-12-21. Review status: criteria provided, single submitter. Criteria: Invitae Variant Classification Sherloc (09022015). Collection method: clinical testing. Allele origin: germline.
Comment: In summary, the available evidence is currently insufficient to determine the role of this variant in disease. Therefore, it has been classified as a Variant of Uncertain Significance. Algorithms developed to predict the effect of missense changes on protein structure and function output the following: SIFT: "Tolerated"; PolyPhen-2: "Probably Damaging"; Align-GVGD: "Class C0". The lysine amino acid residue is found in multiple mammalian species, which suggests that this missense change does not adversely affect protein function. This variant has not been reported in the literature in individuals affected with EYS-related conditions. This variant is not present in population databases (gnomAD no frequency). This sequence change replaces asparagine, which is neutral and polar, with lysine, which is basic and polar, at codon 1535 of the EYS protein (p.Asn1535Lys).

NM_001142800.2(EYS):c.4605C>G (p.Asn1535Lys)

Gene: EYS (eyes shut homolog; minus strand). Cytogenetic location: 6q12.
Variant type: single nucleotide variant.
Coding change: c.4605C>G on transcript NM_001142800.2 (MANE Select); coding-DNA position 4605, C replaced by G.
Protein change: p.Asn1535Lys; replaces asparagine 1535 with lysine.
Molecular consequence: missense variant.
Genome position (GRCh38, 1-based): chr6:64,591,262, G>C on the plus strand (C>G on the coding strand, the complement: EYS is on the minus strand). VCF-style: chr6-64591262-G-C. GRCh37 (hg19) VCF-style: chr6-65301155-G-C.
Other names: c.4605C>G, p.Asn1535Lys (NM_001292009.2); short protein forms N1535K.
Identifiers: ClinVar variation 1474941 (VCV001474941.6), dbSNP rs2149831954, ClinGen allele CA364782950.
Genomic context (GRCh38, chr6:64,591,262, plus strand): 5'-TGTTTGGCTTAATTCTCTTAAAGAATCAGCAGCCTGTGATTTGATGTTTGTGAGTCTCTG[G>C]TTGCTTGAAGCCTCAGTAATAGCCTGATATTCACTGGGATTGAAGGCTTTTGTACTGAAC-3'
Protein context (NP_001136272.1, residues 1525-1545): EYQAITEASS[Asn1535Lys]QRLTNIKSQA